The following is an entry in ClinVar:

NM_001101362.3(KBTBD13):c.1210T>C (p.Tyr404His)

Gene: KBTBD13 (kelch repeat and BTB domain containing 13; plus strand). Cytogenetic location: 15q22.31.
Variant type: single nucleotide variant.
Coding change: c.1210T>C on transcript NM_001101362.3 (MANE Select); coding-DNA position 1210, T replaced by C.
Protein change: p.Tyr404His; replaces tyrosine 404 with histidine.
Molecular consequence: missense variant.
Genome position (GRCh38, 1-based): chr15:65,078,025, T>C. VCF-style: chr15-65078025-T-C. GRCh37 (hg19) VCF-style: chr15-65370363-T-C.
Other names: short protein forms Y404H.
Identifiers: ClinVar variation 4764073 (VCV004764073.1).
Genomic context (GRCh38, chr15:65,078,025, plus strand): 5'-GGCCAGTTCGTCAACAGCAAGGGAGCGCTCTTCACGGCCGTGGTGCGCGGTGACACCGTC[T>C]ATACGGTCAACCGCATGTTCACGCTGCTCTACGCCATCGAGGGCGGCACCTGGCGGCTGC-3'
Protein context (NP_001094832.1, residues 394-414): FTAVVRGDTV[Tyr404His]TVNRMFTLLY

ClinVar aggregate classification (germline): Uncertain significance (1 of 4 stars; one submission).

Conditions:
Nemaline myopathy 6 (NEM6). Also called: Nemaline myopathy 6, autosomal dominant. Identifiers: Orphanet 171439, MedGen C1836472, MONDO:0012237, OMIM 609273.

Submission:

Labcorp Genetics (formerly Invitae), Labcorp
Classification: Uncertain significance for Nemaline myopathy 6. Last evaluated: 2025-11-04. Review status: criteria provided, single submitter. Criteria: Invitae Variant Classification Sherloc (09022015). Collection method: clinical testing. Allele origin: germline.
Comment: This sequence change replaces tyrosine, which is neutral and polar, with histidine, which is basic and polar, at codon 404 of the KBTBD13 protein (p.Tyr404His). This variant is present in population databases (no rsID available, gnomAD 0.0009%). This variant has not been reported in the literature in individuals affected with KBTBD13-related conditions. An algorithm developed to predict the effect of missense changes on protein structure and function (PolyPhen-2) suggests that this variant is likely to be disruptive. In summary, the available evidence is currently insufficient to determine the role of this variant in disease. Therefore, it has been classified as a Variant of Uncertain Significance.